The following is an entry in ClinVar:

NM_001846.4(COL4A2):c.2351G>A (p.Arg784Gln)

Gene: COL4A2 (collagen type IV alpha 2 chain; plus strand). Cytogenetic location: 13q34.
Variant type: single nucleotide variant.
Coding change: c.2351G>A on transcript NM_001846.4 (MANE Select); coding-DNA position 2351, G replaced by A.
Protein change: p.Arg784Gln; replaces arginine 784 with glutamine.
Molecular consequence: missense variant.
Genome position (GRCh38, 1-based): chr13:110,473,076, G>A. VCF-style: chr13-110473076-G-A. GRCh37 (hg19) VCF-style: chr13-111125423-G-A.
Other names: c.2351G>A (NM_001846.2); short protein forms R784Q.
Identifiers: ClinVar variation 2629013 (VCV002629013.5), dbSNP rs529661399, ClinGen allele CA7049897.

ClinVar aggregate classification (germline): Conflicting classifications of pathogenicity. Review status: criteria provided, conflicting classifications (1 of 4 stars). 3 submissions from 3 submitters: Uncertain significance (2); Likely benign (1). Last evaluated 2024-05-30.

Conditions:
COL4A2-related disorder. Also called: COL4A2-related disorders; COL4A2-related condition.
Inborn genetic diseases. Identifiers: MedGen C0950123, MeSH D030342.

Allele frequency attached by ClinVar (database versions not stated): TOPMed 0.00004; ExAC 0.00006; 1000 Genomes Project 30x 0.00016; 1000 Genomes Project 0.00020.
gnomAD v4.1: 55 of 1,542,034 alleles (0.0036%); highest among the groups gnomAD compares: Middle Eastern, 0.017%; no homozygotes.

Submissions (3):

Ambry Genetics
Classification: Uncertain significance for Inborn genetic diseases. Last evaluated: 2024-05-30. Review status: criteria provided, single submitter. Criteria: Ambry Variant Classification Scheme 2023. Collection method: clinical testing. Allele origin: germline.

PreventionGenetics, part of Exact Sciences
Classification: Uncertain significance for COL4A2-related condition. Last evaluated: 2023-07-11. Review status: criteria provided, single submitter. Criteria: ACMG Guidelines, 2015. Collection method: clinical testing. Allele origin: germline.
Comment: The COL4A2 c.2351G>A variant is predicted to result in the amino acid substitution p.Arg784Gln. To our knowledge, this variant has not been reported in the literature. This variant is reported in 0.011% of alleles in individuals of African descent in gnomAD. At this time, the clinical significance of this variant is uncertain due to the absence of conclusive functional and genetic evidence.

Labcorp Genetics (formerly Invitae), Labcorp
Classification: Likely benign. Last evaluated: 2023-03-20. Review status: criteria provided, single submitter. Criteria: Invitae Variant Classification Sherloc (09022015). Collection method: clinical testing. Allele origin: germline.